The following is an entry in ClinVar:

NM_001382391.1(CSPP1):c.2409_2411del (p.Glu804del)

Gene: CSPP1 (centrosome and spindle pole associated protein 1; plus strand). Cytogenetic location: 8q13.2.
Variant type: Deletion.
Coding change: c.2409_2411del on transcript NM_001382391.1 (MANE Select); coding-DNA positions 2409 to 2411, 3 bases deleted (AGA; older notation c.2409_2411delAGA).
Protein change: p.Glu804del; deletes glutamic acid 804.
Molecular consequence: inframe deletion. On other transcripts: inframe indel (1).
Genome position (GRCh38, 1-based): chr8:67,159,008-67,159,010, AGA deleted; deleting any 3 consecutive bases within chr8:67,159,006-67,159,010 gives the same sequence; the c. name uses the placement nearest the transcript's 3' end. VCF-style (leftmost placement, unchanged base first): chr8-67159005-TGAA-T. GRCh37 (hg19) VCF-style: chr8-68071240-TGAA-T.
Other names: c.1359_1361del, p.Glu454del (NM_001291339.2); c.2328_2330del, p.Glu777del (NM_001363131.2); c.2214_2216del, p.Glu739del (NM_001363132.2); c.2133_2135del, p.Glu712del (NM_001363133.2); c.2475_2477del, p.Glu826del (NM_001364869.1); c.2295_2297del, p.Glu766del (NM_001364870.1); c.2394_2396delAGA, p.Glu799del (NM_024790.7); short protein forms E804del, E712del, E777del, E454del, E766del, E739del, E799del, E826del.
Identifiers: ClinVar variation 1045559 (VCV001045559.6), dbSNP rs773946059, ClinGen allele CA4770836.

ClinVar aggregate classification (germline): Uncertain significance. Review status: criteria provided, multiple submitters, no conflicts (2 of 4 stars). 2 submissions from 2 submitters: Uncertain significance (2). Last evaluated 2024-11-25.

Conditions:
Joubert syndrome 21 (JBTS21). Identifiers: MedGen C3810212, MONDO:0014288, OMIM 615636.

Submissions (2):

Blueprint Genetics
Classification: Uncertain significance. Last evaluated: 2024-11-25. Review status: criteria provided, single submitter. Criteria: ACMG Guidelines, 2015. Collection method: clinical testing. Allele origin: germline.

Labcorp Genetics (formerly Invitae), Labcorp
Classification: Uncertain significance for Joubert syndrome 21. Last evaluated: 2024-11-15. Review status: criteria provided, single submitter. Criteria: Invitae Variant Classification Sherloc (09022015). Collection method: clinical testing. Allele origin: germline.
Comment: This variant, c.2394_2396del, results in the deletion of 1 amino acid(s) of the CSPP1 protein (p.Glu799del), but otherwise preserves the integrity of the reading frame. This variant is present in population databases (rs773946059, gnomAD 0.01%). This variant has not been reported in the literature in individuals affected with CSPP1-related conditions. ClinVar contains an entry for this variant (Variation ID: 1045559). Experimental studies and prediction algorithms are not available or were not evaluated, and the functional significance of this variant is currently unknown. In summary, the available evidence is currently insufficient to determine the role of this variant in disease. Therefore, it has been classified as a Variant of Uncertain Significance.